The following is an entry in ClinVar:

NM_001363711.2(DUOX2):c.1153C>T (p.Gln385Ter)

Gene: DUOX2 (dual oxidase 2; minus strand). Cytogenetic location: 15q21.1.
Variant type: single nucleotide variant.
Coding change: c.1153C>T on transcript NM_001363711.2 (MANE Select); coding-DNA position 1153, C replaced by T.
Protein change: p.Gln385Ter; replaces glutamine 385 with a stop codon.
Molecular consequence: nonsense.
Genome position (GRCh38, 1-based): chr15:45,109,605, G>A on the plus strand (C>T on the coding strand, the complement: DUOX2 is on the minus strand). VCF-style: chr15-45109605-G-A. GRCh37 (hg19) VCF-style: chr15-45401803-G-A.
Other names: c.1153C>T, p.Gln385Ter (NM_014080.5); short protein forms Q385*.
Identifiers: ClinVar variation 1404956 (VCV001404956.7), dbSNP rs760186738, ClinGen allele CA392277250.

ClinVar aggregate classification (germline): Pathogenic. Review status: criteria provided, multiple submitters, no conflicts (2 of 4 stars). 2 submissions from 2 submitters: Pathogenic (2). Last evaluated 2024-02-24.

Conditions:
Thyroid dyshormonogenesis 6 (TDH6). Also called: THYROID HORMONOGENESIS, GENETIC DEFECT IN, 6; HYPOTHYROIDISM, CONGENITAL, DUE TO DYSHORMONOGENESIS, 6; Genetic transient congenital hypothyroidism. Identifiers: Orphanet 226316, Orphanet 95716, MedGen C1846632, MONDO:0011792, OMIM 607200.

Submissions (2):

Labcorp Genetics (formerly Invitae), Labcorp
Classification: Pathogenic. Last evaluated: 2024-02-24. Review status: criteria provided, single submitter. Criteria: Invitae Variant Classification Sherloc (09022015). Collection method: clinical testing. Allele origin: germline.
Comment: This sequence change creates a premature translational stop signal (p.Gln385*) in the DUOX2 gene. It is expected to result in an absent or disrupted protein product. Loss-of-function variants in DUOX2 are known to be pathogenic (PMID: 12110737, 18765513, 21565790, 24423310, 24735383). This variant is not present in population databases (gnomAD no frequency). This variant has not been reported in the literature in individuals affected with DUOX2-related conditions. ClinVar contains an entry for this variant (Variation ID: 1404956). Algorithms developed to predict the effect of sequence changes on RNA splicing suggest that this variant may disrupt the consensus splice site. For these reasons, this variant has been classified as Pathogenic.

Medical Genetics Center, Maternal and Child Health Hospital of Hubei Province
Classification: Pathogenic for Thyroid dyshormonogenesis 6. Last evaluated: 2022-04-08. Review status: criteria provided, single submitter. Criteria: ACMG Guidelines, 2015. Collection method: clinical testing. Allele origin: de novo. Affected: yes.
Comment: PVS1 + PM2 + PS2_Moderate

Literature cited by the submitters: PubMed 12110737 (cited by Labcorp Genetics (formerly Invitae), Labcorp); PubMed 18765513 (cited by Labcorp Genetics (formerly Invitae), Labcorp); PubMed 21565790 (cited by Labcorp Genetics (formerly Invitae), Labcorp); PubMed 24423310 (cited by Labcorp Genetics (formerly Invitae), Labcorp); PubMed 24735383 (cited by Labcorp Genetics (formerly Invitae), Labcorp).